The following is an entry in ClinVar:

NM_004525.3(LRP2):c.7634T>C (p.Ile2545Thr)

Gene: LRP2 (LDL receptor related protein 2; minus strand). Cytogenetic location: 2q31.1.
Variant type: single nucleotide variant.
Coding change: c.7634T>C on transcript NM_004525.3 (MANE Select); coding-DNA position 7634, T replaced by C.
Protein change: p.Ile2545Thr; replaces isoleucine 2545 with threonine.
Molecular consequence: missense variant.
Genome position (GRCh38, 1-based): chr2:169,205,560, A>G on the plus strand (T>C on the coding strand, the complement: LRP2 is on the minus strand). VCF-style: chr2-169205560-A-G. GRCh37 (hg19) VCF-style: chr2-170062070-A-G.
Other names: short protein forms I2545T.
Identifiers: ClinVar variation 3539684 (VCV003539684.2).

ClinVar aggregate classification (germline): Uncertain significance. Review status: criteria provided, multiple submitters, no conflicts (2 of 4 stars). 2 submissions from 2 submitters: Uncertain significance (2). Last evaluated 2025-12-20.

Conditions:
Inborn genetic diseases. Identifiers: MedGen C0950123, MeSH D030342.

gnomAD v4.1: 1 of 1,614,094 alleles (0.000062%); highest among the groups gnomAD compares: Non-Finnish European, 0.000085%; no homozygotes.

Submissions (2):

Labcorp Genetics (formerly Invitae), Labcorp
Classification: Uncertain significance. Last evaluated: 2025-12-20. Review status: criteria provided, single submitter. Criteria: Invitae Variant Classification Sherloc (09022015). Collection method: clinical testing. Allele origin: germline.
Comment: This sequence change replaces isoleucine, which is neutral and non-polar, with threonine, which is neutral and polar, at codon 2545 of the LRP2 protein (p.Ile2545Thr). This variant is not present in population databases (gnomAD no frequency). This variant has not been reported in the literature in individuals affected with LRP2-related conditions. ClinVar contains an entry for this variant (Variation ID: 3539684). Invitae Evidence Modeling of protein sequence and biophysical properties (such as structural, functional, and spatial information, amino acid conservation, physicochemical variation, residue mobility, and thermodynamic stability) indicates that this missense variant is expected to disrupt LRP2 protein function with a positive predictive value of 80%. In summary, the available evidence is currently insufficient to determine the role of this variant in disease. Therefore, it has been classified as a Variant of Uncertain Significance.

Ambry Genetics
Classification: Uncertain significance for Inborn genetic diseases. Last evaluated: 2024-12-03. Review status: criteria provided, single submitter. Criteria: Ambry Variant Classification Scheme 2023. Collection method: clinical testing. Allele origin: germline.